The following is an entry in ClinVar:

ClinVar aggregate classification (germline): Uncertain significance (1 of 4 stars; one submission).

gnomAD v4.1: 1 of 1,610,600 alleles (0.000062%); highest among the groups gnomAD compares: Non-Finnish European, 0.000085%; no homozygotes.

Submission:

Labcorp Genetics (formerly Invitae), Labcorp
Classification: Uncertain significance. Last evaluated: 2025-03-07. Review status: criteria provided, single submitter. Criteria: Invitae Variant Classification Sherloc (09022015). Collection method: clinical testing. Allele origin: germline.
Comment: This sequence change replaces phenylalanine, which is neutral and non-polar, with leucine, which is neutral and non-polar, at codon 526 of the MYO3A protein (p.Phe526Leu). This variant is not present in population databases (gnomAD no frequency). This variant has not been reported in the literature in individuals affected with MYO3A-related conditions. Invitae Evidence Modeling of protein sequence and biophysical properties (such as structural, functional, and spatial information, amino acid conservation, physicochemical variation, residue mobility, and thermodynamic stability) indicates that this missense variant is expected to disrupt MYO3A protein function with a positive predictive value of 80%. In summary, the available evidence is currently insufficient to determine the role of this variant in disease. Therefore, it has been classified as a Variant of Uncertain Significance.

NM_017433.5(MYO3A):c.1576T>C (p.Phe526Leu)

Gene: MYO3A (myosin IIIA; plus strand). Cytogenetic location: 10p12.1.
Variant type: single nucleotide variant.
Coding change: c.1576T>C on transcript NM_017433.5 (MANE Select); coding-DNA position 1576, T replaced by C.
Protein change: p.Phe526Leu; replaces phenylalanine 526 with leucine.
Molecular consequence: missense variant.
Genome position (GRCh38, 1-based): chr10:26,096,394, T>C. VCF-style: chr10-26096394-T-C. GRCh37 (hg19) VCF-style: chr10-26385323-T-C.
Other names: short protein forms F526L.
Identifiers: ClinVar variation 4773722 (VCV004773722.1).